The following is an entry in ClinVar:

NM_198576.4(AGRN):c.34C>T (p.Pro12Ser)

Gene: AGRN (agrin; plus strand). Cytogenetic location: 1p36.33.
Variant type: single nucleotide variant.
Coding change: c.34C>T on transcript NM_198576.4 (MANE Select); coding-DNA position 34, C replaced by T.
Protein change: p.Pro12Ser; replaces proline 12 with serine.
Molecular consequence: missense variant.
Genome position (GRCh38, 1-based): chr1:1,020,206, C>T. VCF-style: chr1-1020206-C-T. GRCh37 (hg19) VCF-style: chr1-955586-C-T.
Other names: c.34C>T, p.Pro12Ser (NM_001305275.2); short protein forms P12S.
Identifiers: ClinVar variation 1903344 (VCV001903344.5), dbSNP rs1224545239, ClinGen allele CA337809515.

ClinVar aggregate classification (germline): Uncertain significance (1 of 4 stars; one submission).

Conditions:
Congenital myasthenic syndrome 8. Also called: Myasthenic syndrome, congenital, 8, with pre- and postsynaptic defects; MYASTHENIC SYNDROME, CONGENITAL, DUE TO AGRIN DEFICIENCY. Identifiers: Orphanet 590, MedGen C3808739, MONDO:0014052, OMIM 615120.

Allele frequency attached by ClinVar (database versions not stated): gnomAD 0.00001; TOPMed 0.00001; gnomAD exomes 0.00002.
gnomAD v4.1: 22 of 1,370,778 alleles (0.0016%); highest among the groups gnomAD compares: Non-Finnish European, 0.0019%; no homozygotes.

Submission:

Labcorp Genetics (formerly Invitae), Labcorp
Classification: Uncertain significance for Congenital myasthenic syndrome 8. Last evaluated: 2022-03-26. Review status: criteria provided, single submitter. Criteria: Invitae Variant Classification Sherloc (09022015). Collection method: clinical testing. Allele origin: germline.
Comment: In summary, the available evidence is currently insufficient to determine the role of this variant in disease. Therefore, it has been classified as a Variant of Uncertain Significance. Algorithms developed to predict the effect of missense changes on protein structure and function are either unavailable or do not agree on the potential impact of this missense change (SIFT: "Tolerated"; PolyPhen-2: "Not Available"; Align-GVGD: "Class C0"). This variant has not been reported in the literature in individuals affected with AGRN-related conditions. This variant is not present in population databases (gnomAD no frequency). This sequence change replaces proline, which is neutral and non-polar, with serine, which is neutral and polar, at codon 12 of the AGRN protein (p.Pro12Ser).